The following is an entry in ClinVar:

ClinVar aggregate classification (germline): Uncertain significance. Review status: criteria provided, multiple submitters, no conflicts (2 of 4 stars). 2 submissions from 2 submitters: Uncertain significance (2). Last evaluated 2025-10-14.

Conditions:
RTEL1-related disorder. Also called: RTEL1-related condition; RTEL1-related disorders.
Pulmonary fibrosis and/or bone marrow failure, Telomere-related, 3. Also called: PULMONARY FIBROSIS AND/OR BONE MARROW FAILURE SYNDROME, TELOMERE-RELATED, 3. Identifiers: Orphanet 2032, MedGen C4225346, MONDO:0014613, OMIM 616373.
Dyskeratosis congenita, autosomal recessive 5 (DKCB5). Identifiers: MedGen C3554656, MONDO:0014076, OMIM 615190.

Allele frequency attached by ClinVar (database versions not stated): TOPMed 0.00003; gnomAD exomes 0.00004; ExAC 0.00005; gnomAD 0.00005.
gnomAD v4.1: 42 of 1,612,472 alleles (0.0026%); highest among the groups gnomAD compares: South Asian, 0.0088%; no homozygotes.

Submissions (2):

Labcorp Genetics (formerly Invitae), Labcorp
Classification: Uncertain significance for Dyskeratosis congenita, autosomal recessive 5; Pulmonary fibrosis and/or bone marrow failure, Telomere-related, 3. Last evaluated: 2025-10-14. Review status: criteria provided, single submitter. Criteria: Invitae Variant Classification Sherloc (09022015). Collection method: clinical testing. Allele origin: germline.
Comment: This sequence change replaces aspartic acid, which is acidic and polar, with asparagine, which is neutral and polar, at codon 1093 of the RTEL1 protein (p.Asp1093Asn). This variant is present in population databases (rs767674666, gnomAD 0.02%). This variant has not been reported in the literature in individuals affected with RTEL1-related conditions. ClinVar contains an entry for this variant (Variation ID: 1351371). An algorithm developed to predict the effect of missense changes on protein structure and function outputs the following: PolyPhen-2: "Benign". The asparagine amino acid residue is found in multiple mammalian species, which suggests that this missense change does not adversely affect protein function. In summary, the available evidence is currently insufficient to determine the role of this variant in disease. Therefore, it has been classified as a Variant of Uncertain Significance.

PreventionGenetics, part of Exact Sciences
Classification: Uncertain significance for RTEL1-related condition. Last evaluated: 2023-07-15. Review status: criteria provided, single submitter. Criteria: ACMG Guidelines, 2015. Collection method: clinical testing. Allele origin: germline.
Comment: The RTEL1 c.3349G>A variant is predicted to result in the amino acid substitution p.Asp1117Asn. To our knowledge, this variant has not been reported in the literature. This variant is reported in 0.016% of alleles in individuals of South Asian descent in gnomAD. At this time, the clinical significance of this variant is uncertain due to the absence of conclusive functional and genetic evidence.

NM_001283009.2(RTEL1):c.3277G>A (p.Asp1093Asn)

Genes: RTEL1 (regulator of telomere elongation helicase 1; plus strand), RTEL1-TNFRSF6B (RTEL1-TNFRSF6B readthrough (NMD candidate); plus strand). Cytogenetic location: 20q13.33.
Variant type: single nucleotide variant.
Coding change: c.3277G>A on transcript NM_001283009.2 (MANE Select); coding-DNA position 3277, G replaced by A.
Protein change: p.Asp1093Asn; replaces aspartic acid 1093 with asparagine.
Molecular consequence: missense variant. On other transcripts: non-coding transcript variant (1).
Genome position (GRCh38, 1-based): chr20:63,694,908, G>A. VCF-style: chr20-63694908-G-A. GRCh37 (hg19) VCF-style: chr20-62326261-G-A.
Other names: c.2608G>A, p.Asp870Asn (NM_001283010.1); c.3277G>A, p.Asp1093Asn (NM_016434.4); c.3349G>A, p.Asp1117Asn (NM_032957.5); c.3349G>A (NM_032957.4); short protein forms D1093N, D870N, D1117N.
Identifiers: ClinVar variation 1351371 (VCV001351371.7), dbSNP rs767674666, ClinGen allele CA9965933.
Genomic context (GRCh38, chr20:63,694,908, plus strand): 5'-TCCGCGGGCTGTAGCCAACTCTTGGCAGCGCTGACAGCCTATAAGCAAGACGACGACCTC[G>A]ACAAGGTGCTGGCTGTGTTGGCCGCCCTGACCACTGCAAAGCCAGAGGACTTCCCCCTGC-3'
Protein context (NP_001269938.1, residues 1083-1103): LTAYKQDDDL[Asp1093Asn]KVLAVLAALT